The following is an entry in ClinVar:

ClinVar aggregate classification (germline): Uncertain significance. Review status: criteria provided, single submitter (1 of 4 stars). 2 submissions from 2 submitters: Uncertain significance (1). 1 of the submissions does not count toward it. Last evaluated 2022-03-19.

Conditions:
Severe X-linked myotubular myopathy (CNMX). Also called: MYOTUBULAR MYOPATHY 1; Myotubular myopathy, X-linked; X-linked centronuclear myopathy. Identifiers: Orphanet 596, MedGen C0410203, MONDO:0010683, OMIM 310400.

Allele frequency attached by ClinVar (database versions not stated): TOPMed below 0.00001; ExAC 0.00001; gnomAD exomes 0.00001.
gnomAD v4.1: 9 of 1,204,853 alleles (0.00075%); highest among the groups gnomAD compares: Middle Eastern, 0.029%; no homozygotes.

Submissions (2):

Labcorp Genetics (formerly Invitae), Labcorp
Classification: Uncertain significance for Severe X-linked myotubular myopathy. Last evaluated: 2022-03-19. Review status: criteria provided, single submitter. Criteria: Invitae Variant Classification Sherloc (09022015). Collection method: clinical testing. Allele origin: germline.
Comment: This sequence change replaces threonine, which is neutral and polar, with methionine, which is neutral and non-polar, at codon 22 of the MTM1 protein (p.Thr22Met). This variant is present in population databases (rs781886721, gnomAD 0.005%). This variant has not been reported in the literature in individuals affected with MTM1-related conditions. ClinVar contains an entry for this variant (Variation ID: 577570). Algorithms developed to predict the effect of missense changes on protein structure and function output the following: SIFT: "Tolerated"; PolyPhen-2: "Benign"; Align-GVGD: "Class C0". The methionine amino acid residue is found in multiple mammalian species, which suggests that this missense change does not adversely affect protein function. In summary, the available evidence is currently insufficient to determine the role of this variant in disease. Therefore, it has been classified as a Variant of Uncertain Significance.

Natera, Inc.
Classification: Uncertain significance for Severe X-linked myotubular myopathy. Last evaluated: 2020-10-20. Review status: no assertion criteria provided. Collection method: clinical testing. Allele origin: germline. Not counted in ClinVar's aggregate classification.

NM_000252.3(MTM1):c.65C>T (p.Thr22Met)

Gene: MTM1 (myotubularin 1; plus strand). Cytogenetic location: Xq28.
Variant type: single nucleotide variant.
Coding change: c.65C>T on transcript NM_000252.3 (MANE Select); coding-DNA position 65, C replaced by T.
Protein change: p.Thr22Met; replaces threonine 22 with methionine.
Molecular consequence: missense variant.
Genome position (GRCh38, 1-based): chrX:150,596,499, C>T. VCF-style: chrX-150596499-C-T. GRCh37 (hg19) VCF-style: chrX-149764963-C-T.
Other names: c.65C>T, p.Thr22Met (NM_001376906.1, NM_001376907.1, NM_001376908.1); short protein forms T22M.
Identifiers: ClinVar variation 577570 (VCV000577570.8), dbSNP rs781886721, ClinGen allele CA10539034.